The following is an entry in ClinVar:

ClinVar aggregate classification (germline): Uncertain significance. Review status: criteria provided, multiple submitters, no conflicts (2 of 4 stars). 3 submissions from 3 submitters: Uncertain significance (3). Last evaluated 2023-08-01.

Conditions:
Inborn genetic diseases. Identifiers: MedGen C0950123, MeSH D030342.

Allele frequency attached by ClinVar (database versions not stated): ExAC 0.00002; gnomAD 0.00003; TOPMed 0.00003; gnomAD exomes 0.00006; ESP Exome Variant Server 0.00015.
gnomAD v4.1: 87 of 1,613,910 alleles (0.0054%); highest among the groups gnomAD compares: East Asian, 0.0089%; no homozygotes.

Submissions (3):

Labcorp Genetics (formerly Invitae), Labcorp
Classification: Uncertain significance. Last evaluated: 2023-08-01. Review status: criteria provided, single submitter. Criteria: Invitae Variant Classification Sherloc (09022015). Collection method: clinical testing. Allele origin: germline.
Comment: In summary, the available evidence is currently insufficient to determine the role of this variant in disease. Therefore, it has been classified as a Variant of Uncertain Significance. Algorithms developed to predict the effect of missense changes on protein structure and function output the following: SIFT: "Not Available"; PolyPhen-2: "Benign"; Align-GVGD: "Not Available". The valine amino acid residue is found in multiple mammalian species, which suggests that this missense change does not adversely affect protein function. ClinVar contains an entry for this variant (Variation ID: 2200492). This variant has not been reported in the literature in individuals affected with HSPG2-related conditions. This variant is present in population databases (rs148456372, gnomAD 0.02%). This sequence change replaces alanine, which is neutral and non-polar, with valine, which is neutral and non-polar, at codon 3839 of the HSPG2 protein (p.Ala3839Val).

GeneDx
Classification: Uncertain significance. Last evaluated: 2023-06-05. Review status: criteria provided, single submitter. Criteria: GeneDx Variant Classification Process June 2021. Collection method: clinical testing. Allele origin: germline. Affected: yes.
Comment: In silico analysis supports that this missense variant does not alter protein structure/function; Has not been previously published as pathogenic or benign to our knowledge

Ambry Genetics
Classification: Uncertain significance for Inborn genetic diseases. Last evaluated: 2022-03-04. Review status: criteria provided, single submitter. Criteria: Ambry Variant Classification Scheme 2023. Collection method: clinical testing. Allele origin: germline.

NM_005529.7(HSPG2):c.11516C>T (p.Ala3839Val)

Gene: HSPG2 (heparan sulfate proteoglycan 2; minus strand). Cytogenetic location: 1p36.12.
Variant type: single nucleotide variant.
Coding change: c.11516C>T on transcript NM_005529.7 (MANE Select); coding-DNA position 11516, C replaced by T.
Protein change: p.Ala3839Val; replaces alanine 3839 with valine.
Molecular consequence: missense variant.
Genome position (GRCh38, 1-based): chr1:21,831,261, G>A on the plus strand (C>T on the coding strand, the complement: HSPG2 is on the minus strand). VCF-style: chr1-21831261-G-A. GRCh37 (hg19) VCF-style: chr1-22157754-G-A.
Other names: c.11519C>T, p.Ala3840Val (NM_001291860.2); c.11516C>T (NM_005529.5); short protein forms A3839V, A3840V.
Identifiers: ClinVar variation 2200492 (VCV002200492.4), dbSNP rs148456372, ClinGen allele CA669751.